The following is an entry in ClinVar:

NM_000018.4(ACADVL):c.369C>A (p.Asp123Glu)

Gene: ACADVL (acyl-CoA dehydrogenase very long chain; plus strand). Cytogenetic location: 17p13.1.
Variant type: single nucleotide variant.
Coding change: c.369C>A on transcript NM_000018.4 (MANE Select); coding-DNA position 369, C replaced by A.
Protein change: p.Asp123Glu; replaces aspartic acid 123 with glutamic acid.
Molecular consequence: missense variant.
Genome position (GRCh38, 1-based): chr17:7,220,950, C>A. VCF-style: chr17-7220950-C-A. GRCh37 (hg19) VCF-style: chr17-7124269-C-A.
Other names: c.303C>A, p.Asp101Glu (NM_001033859.3); c.438C>A, p.Asp146Glu (NM_001270447.2); c.141C>A, p.Asp47Glu (NM_001270448.2); short protein forms D101E, D47E, D123E, D146E.
Identifiers: ClinVar variation 1408231 (VCV001408231.7), dbSNP rs374524648, ClinGen allele CA397722758.

ClinVar aggregate classification (germline): Uncertain significance (1 of 4 stars; one submission).

Conditions:
Very long chain acyl-CoA dehydrogenase deficiency (ACADVLD). Also called: VLCAD Deficiency; Very Long-Chain Acyl-Coenzyme A Dehydrogenase Deficiency. Identifiers: Orphanet 26793, MedGen C3887523, MONDO:0008723, OMIM 201475.

gnomAD v4.1: 1 of 1,614,114 alleles (0.000062%); highest among the groups gnomAD compares: Admixed American, 0.0017%; no homozygotes.

Submission:

Labcorp Genetics (formerly Invitae), Labcorp
Classification: Uncertain significance for Very long chain acyl-CoA dehydrogenase deficiency. Last evaluated: 2022-09-13. Review status: criteria provided, single submitter. Criteria: Invitae Variant Classification Sherloc (09022015). Collection method: clinical testing. Allele origin: germline.
Comment: This variant is present in population databases (no rsID available, gnomAD 0.003%). In summary, the available evidence is currently insufficient to determine the role of this variant in disease. Therefore, it has been classified as a Variant of Uncertain Significance. Advanced modeling of protein sequence and biophysical properties (such as structural, functional, and spatial information, amino acid conservation, physicochemical variation, residue mobility, and thermodynamic stability) performed at Invitae indicates that this missense variant is expected to disrupt ACADVL protein function. ClinVar contains an entry for this variant (Variation ID: 1408231). This variant has not been reported in the literature in individuals affected with ACADVL-related conditions. This sequence change replaces aspartic acid, which is acidic and polar, with glutamic acid, which is acidic and polar, at codon 123 of the ACADVL protein (p.Asp123Glu).